The following is an entry in ClinVar:

NM_000548.5(TSC2):c.1502del (p.Asp501fs)

Gene: TSC2 (TSC complex subunit 2; plus strand). Cytogenetic location: 16p13.3.
Variant type: Deletion.
Coding change: c.1502del on transcript NM_000548.5 (MANE Select); coding-DNA position 1502, one base deleted (A; older notation c.1502delA).
Protein change: p.Asp501fs; shifts the reading frame from aspartic acid 501.
Molecular consequence: frameshift variant.
Genome position (GRCh38, 1-based): chr16:2,064,330, A deleted. VCF-style (leftmost placement, unchanged base first): chr16-2064329-GA-G. GRCh37 (hg19) VCF-style: chr16-2114330-GA-G.
Other names: c.1502del, p.Asp501fs (NM_001363528.2, NM_001370404.1, NM_001370405.1 and 3 more transcripts); c.1391del, p.Asp464fs (NM_001318827.2); c.1355del, p.Asp452fs (NM_001318829.2); c.902del, p.Asp301fs (NM_001318831.2); c.1535del, p.Asp512fs (NM_001318832.2); short protein forms D301fs, D452fs, D464fs, D501fs, D512fs.
Identifiers: ClinVar variation 582247 (VCV000582247.6), dbSNP rs1567437492, ClinGen allele CA891844063.
Genomic context (GRCh38, chr16:2,064,329, plus strand): 5'-CAGGAGGAGCTGATTAACTCAGTGGTCATCTCGCAGCTCTCCCACATCCCCGAGGATAAA[GA>G]CCACCAGGTCCGAAAGCTGGCCACCCAGTTGCTGGTGGACCTGGCAGAGGGCTGCCACAC-3'

ClinVar aggregate classification (germline): Pathogenic (1 of 4 stars; one submission).

Conditions:
Tuberous sclerosis 2 (TSC2). Identifiers: Orphanet 805, MedGen C1860707, MONDO:0013199, OMIM 613254.

Submission:

Labcorp Genetics (formerly Invitae), Labcorp
Classification: Pathogenic for Tuberous sclerosis 2. Last evaluated: 2018-05-15. Review status: criteria provided, single submitter. Criteria: Invitae Variant Classification Sherloc (09022015). Collection method: clinical testing. Allele origin: germline.
Comment: This sequence change creates a premature translational stop signal (p.Asp501Alafs*34) in the TSC2 gene. It is expected to result in an absent or disrupted protein product. For these reasons, this variant has been classified as Pathogenic. Loss-of-function variants in TSC2 are known to be pathogenic (PMID: 10205261, 17304050). This variant has not been reported in the literature in individuals with TSC2-related disease. This variant is not present in population databases (ExAC no frequency).

Literature cited by the submitters: PubMed 10205261; PubMed 17304050.